The following is an entry in ClinVar:

ClinVar aggregate classification (germline): Likely pathogenic (1 of 4 stars; one submission).

Conditions:
Autosomal recessive limb-girdle muscular dystrophy type 2J (LGMDR10). Also called: Limb-girdle muscular dystrophy, type 2J; MUSCULAR DYSTROPHY, LIMB-GIRDLE, AUTOSOMAL RECESSIVE 10. Identifiers: Orphanet 140922, MedGen C1837342, MONDO:0012127, OMIM 608807.
Dilated cardiomyopathy 1G (CMD1G). Identifiers: Orphanet 154, MedGen C1858763, MONDO:0011400, OMIM 604145.

Submission:

Labcorp Genetics (formerly Invitae), Labcorp
Classification: Likely pathogenic for Dilated cardiomyopathy 1G; Autosomal recessive limb-girdle muscular dystrophy type 2J. Last evaluated: 2017-05-02. Review status: criteria provided, single submitter. Criteria: Invitae Variant Classification Sherloc (09022015). Collection method: clinical testing. Allele origin: germline.
Comment: For these reasons, this variant has been classified as Likely Pathogenic. This sequence change creates a premature translational stop signal at codon 31688 (p.Leu31688*) of the TTN gene. It is expected to result in a disrupted protein product. This variant is found in the A-band of this gene. While this particular variant has not been reported in the literature, truncating variants in the A-band of TTN are significantly overrepresented in patients with dilated cardiomyopathy and are considered to be likely pathogenic for the disease (PMID: 25589632).

Literature cited by the submitters: PubMed 25589632.

NM_001267550.2(TTN):c.95063T>G (p.Leu31688Ter)

Genes: TTN (titin; minus strand), TTN-AS1 (TTN antisense RNA 1; plus strand). Cytogenetic location: 2q31.2.
Variant type: single nucleotide variant.
Coding change: c.95063T>G on transcript NM_001267550.2 (MANE Select); coding-DNA position 95063, T replaced by G.
Protein change: p.Leu31688Ter; replaces leucine 31688 with a stop codon.
Molecular consequence: nonsense.
Genome position (GRCh38, 1-based): chr2:178,546,268, A>C on the plus strand (T>G on the coding strand, the complement: TTN is on the minus strand). VCF-style: chr2-178546268-A-C. GRCh37 (hg19) VCF-style: chr2-179410995-A-C.
Other names: c.90140T>G, p.Leu30047Ter (NM_001256850.1); c.67868T>G, p.Leu22623Ter (NM_003319.4); c.87359T>G, p.Leu29120Ter (NM_133378.4); c.68243T>G, p.Leu22748Ter (NM_133432.3); c.68444T>G, p.Leu22815Ter (NM_133437.4); short protein forms L31688*, L22623*, L30047*, L22748*, L22815*, L29120*.
Identifiers: ClinVar variation 466671 (VCV000466671.10), dbSNP rs794729538, ClinGen allele CA349466946.
Genomic context (GRCh38, chr2:178,546,268, plus strand): 5'-TTACCAAGCACTTTGACCATGACAGACACGGCCTTGGTCCCGCTGGCATTTTTCACTGTT[A>C]AAGTGTATTTTCCACTGTCACTTCTGTCACAGAACTTGATCACAGCAGTTGCTCGTTTGC-3'